The following is an entry in ClinVar:

NM_004525.3(LRP2):c.11800A>T (p.Lys3934Ter)

Gene: LRP2 (LDL receptor related protein 2; minus strand). Cytogenetic location: 2q31.1.
Variant type: single nucleotide variant.
Coding change: c.11800A>T on transcript NM_004525.3 (MANE Select); coding-DNA position 11800, A replaced by T.
Protein change: p.Lys3934Ter; replaces lysine 3934 with a stop codon.
Molecular consequence: nonsense.
Genome position (GRCh38, 1-based): chr2:169,162,559, T>A on the plus strand (A>T on the coding strand, the complement: LRP2 is on the minus strand). VCF-style: chr2-169162559-T-A. GRCh37 (hg19) VCF-style: chr2-170019069-T-A.
Other names: short protein forms K3934*.
Identifiers: ClinVar variation 5014828 (VCV005014828.1).
Genomic context (GRCh38, chr2:169,162,559, plus strand): 5'-CACAGTCATCGGCATCATCACACACATTGTCATGTGGAATGCAATGCCCATTGCCACACT[T>A]ATATTCATATTCTGTACAAGGTTTAGGGGTCGGTTTTCTACCTGCAATGTAAAAACAAGT-3'

ClinVar aggregate classification (germline): Pathogenic (1 of 4 stars; one submission).

Conditions:
Donnai-Barrow syndrome. Also called: DBS/FOAR SYNDROME; FACIOOCULOACOUSTICORENAL SYNDROME. Identifiers: Orphanet 2143, MedGen C1857277, MONDO:0009104, OMIM 222448.

Submission:

Myriad Genetics, Inc.
Classification: Pathogenic for Donnai-Barrow syndrome. Last evaluated: 2025-08-06. Review status: criteria provided, single submitter. Criteria: Myriad Autosomal Dominant, Autosomal Recessive and X-Linked Classification Criteria (2023). Collection method: clinical testing. Allele origin: unknown.
Comment: NM_004525.2(LRP2):c.11800A>T(K3934*) is expected to be pathogenic in the context of Donnai-Barrow syndrome. This variant is predicted to lead to an abnormal or absent protein product due to the creation of a premature termination codon in LRP2, a gene where loss-of-function variants are known to be pathogenic. Please note: this variant was assessed in the context of healthy population screening.